The following is an entry in ClinVar:

NM_000443.4(ABCB4):c.1406G>A (p.Arg469Lys)

Gene: ABCB4 (ATP binding cassette subfamily B member 4; minus strand). Cytogenetic location: 7q21.12.
Variant type: single nucleotide variant.
Coding change: c.1406G>A on transcript NM_000443.4 (MANE Select); coding-DNA position 1406, G replaced by A.
Protein change: p.Arg469Lys; replaces arginine 469 with lysine.
Molecular consequence: missense variant.
Genome position (GRCh38, 1-based): chr7:87,440,353, C>T on the plus strand (G>A on the coding strand, the complement: ABCB4 is on the minus strand). VCF-style: chr7-87440353-C-T. GRCh37 (hg19) VCF-style: chr7-87069669-C-T.
Other names: c.1406G>A, p.Arg469Lys (NM_018849.3, NM_018850.3); short protein forms R469K.
Identifiers: ClinVar variation 4846603 (VCV004846603.1).

ClinVar aggregate classification (germline): Uncertain significance (1 of 4 stars; one submission).

Conditions:
Familial intrahepatic cholestasis. Identifiers: Orphanet 284385, MedGen CN296401, MONDO:0017290.

Submission:

Genomenon, Inc
Classification: Uncertain significance for Familial intrahepatic cholestasis. Last evaluated: 2026-04-14. Review status: criteria provided, single submitter. Criteria: Genomenon Sequence Variant Interpretation Standards - Updated. Collection method: curation. Allele origin: germline. Affected: yes.
Comment: ABCB4 p.Arg469Lys (c.1406G>A) is a missense variant that changes the amino acid at residue 469 from Arginine to Lysine. This variant has been observed in at least one proband with an ABCB4-related disorder (PMID:36550572). It is absent or not present at a significant frequency in gnomAD. In silico models predict that this variant is possibly or probably damaging. In conclusion, we classify ABCB4 p.Arg469Lys (c.1406G>A) as a variant of uncertain significance.

Literature cited by the submitters: PubMed 36550572.